The following is an entry in ClinVar:

ClinVar aggregate classification (germline): Uncertain significance. Review status: criteria provided, multiple submitters, no conflicts (2 of 4 stars). 2 submissions from 2 submitters: Uncertain significance (2). Last evaluated 2026-01-27.

Conditions:
PLXNA2-related disorder. Also called: PLXNA2-related condition.

Allele frequency attached by ClinVar (database versions not stated): ESP Exome Variant Server 0.00015; 1000 Genomes Project 0.00040; 1000 Genomes Project 30x 0.00047.
gnomAD v4.1: 69 of 1,613,880 alleles (0.0043%); highest among the groups gnomAD compares: African/African-American, 0.033%; no homozygotes.

Submissions (2):

PreventionGenetics, part of Exact Sciences
Classification: Uncertain significance for PLXNA2-related condition. Last evaluated: 2026-01-27. Review status: criteria provided, single submitter. Criteria: ACMG Guidelines, 2015. Collection method: clinical testing. Allele origin: germline.
Comment: The PLXNA2 c.2860C>G variant is predicted to result in the amino acid substitution p.Pro954Ala. This variant has been documented in a cohort of individuals with ultra rare disorders; however, further clinical or functional evidence was not provided (Supplementary Table 3 in Schmidt et al. 2024. PubMed ID: 39039281). This variant is reported in 0.044% of alleles in individuals of African descent in gnomAD. At this time, the clinical significance of this variant is uncertain due to the absence of conclusive functional and genetic evidence.

Labcorp Genetics (formerly Invitae), Labcorp
Classification: Uncertain significance. Last evaluated: 2025-11-17. Review status: criteria provided, single submitter. Criteria: Invitae Variant Classification Sherloc (09022015). Collection method: clinical testing. Allele origin: germline.
Comment: This sequence change replaces proline, which is neutral and non-polar, with alanine, which is neutral and non-polar, at codon 954 of the PLXNA2 protein (p.Pro954Ala). This variant is present in population databases (rs147629478, gnomAD 0.05%). This variant has not been reported in the literature in individuals affected with PLXNA2-related conditions. ClinVar contains an entry for this variant (Variation ID: 1350248). Invitae Evidence Modeling of protein sequence and biophysical properties (such as structural, functional, and spatial information, amino acid conservation, physicochemical variation, residue mobility, and thermodynamic stability) indicates that this missense variant is not expected to disrupt PLXNA2 protein function with a negative predictive value of 80%. In summary, the available evidence is currently insufficient to determine the role of this variant in disease. Therefore, it has been classified as a Variant of Uncertain Significance.

NM_025179.4(PLXNA2):c.2860C>G (p.Pro954Ala)

Gene: PLXNA2 (plexin A2; minus strand). Cytogenetic location: 1q32.2.
Variant type: single nucleotide variant.
Coding change: c.2860C>G on transcript NM_025179.4 (MANE Select); coding-DNA position 2860, C replaced by G.
Protein change: p.Pro954Ala; replaces proline 954 with alanine.
Molecular consequence: missense variant.
Genome position (GRCh38, 1-based): chr1:208,052,460, G>C on the plus strand (C>G on the coding strand, the complement: PLXNA2 is on the minus strand). VCF-style: chr1-208052460-G-C. GRCh37 (hg19) VCF-style: chr1-208225805-G-C.
Other names: c.2860C>G (NM_025179.3); short protein forms P954A.
Identifiers: ClinVar variation 1350248 (VCV001350248.9), dbSNP rs147629478, ClinGen allele CA1373367.